The following is an entry in ClinVar:

NM_025144.4(ALPK1):c.819C>G (p.His273Gln)

Gene: ALPK1 (alpha kinase 1; plus strand). Cytogenetic location: 4q25.
Variant type: single nucleotide variant.
Coding change: c.819C>G on transcript NM_025144.4 (MANE Select); coding-DNA position 819, C replaced by G.
Protein change: p.His273Gln; replaces histidine 273 with glutamine.
Molecular consequence: missense variant.
Genome position (GRCh38, 1-based): chr4:112,429,172, C>G. VCF-style: chr4-112429172-C-G. GRCh37 (hg19) VCF-style: chr4-113350328-C-G.
Other names: c.819C>G, p.His273Gln (NM_001102406.2); c.585C>G, p.His195Gln (NM_001253884.2); short protein forms H195Q, H273Q.
Identifiers: ClinVar variation 4886689 (VCV004886689.2).

ClinVar aggregate classification (germline): Uncertain significance (1 of 4 stars; one submission).

gnomAD v4.1: 25 of 1,613,238 alleles (0.0015%); highest among the groups gnomAD compares: Non-Finnish European, 0.0019%; no homozygotes.

Submission:

Dasa
Classification: Uncertain significance. Last evaluated: 2026-01-21. Review status: criteria provided, single submitter. Criteria: DASA Assertion Criteria. Collection method: clinical testing. Allele origin: germline.
Comment: NM_025144.4(ALPK1):c.819C>G (p.His273Gln) is a missense variant that results in the substitution of histidine with glutamine. This variant is rare in population databases. The currently available literature and clinical evidence are not sufficient to establish a definitive association between this variant and the reported condition. Therefore, this variant is classified as a variant of uncertain significance.